The following is an entry in ClinVar:

ClinVar aggregate classification (germline): Uncertain significance (1 of 4 stars; one submission).

gnomAD v4.1: 1 of 1,598,450 alleles (0.000063%); highest among the groups gnomAD compares: Non-Finnish European, 0.000085%; no homozygotes.

Submission:

Ambry Genetics
Classification: Uncertain significance. Last evaluated: 2026-06-15. Review status: criteria provided, single submitter. Criteria: Ambry Variant Classification Scheme 2023. Collection method: clinical testing. Allele origin: germline.
Comment: The p.P1117S variant (also known as c.3349C>T), located in coding exon 12 of the WNK2 gene, results from a C to T substitution at nucleotide position 3349. The proline at codon 1117 is replaced by serine, an amino acid with similar properties. This amino acid position is conserved. In addition, this alteration is predicted to be tolerated by in silico analysis. Based on the available evidence, the clinical significance of this variant remains unclear.

NM_006648.4(WNK2):c.3349C>T (p.Pro1117Ser)

Gene: WNK2 (WNK lysine deficient protein kinase 2; plus strand). Cytogenetic location: 9q22.31.
Variant type: single nucleotide variant.
Coding change: c.3349C>T on transcript NM_006648.4 (MANE Select); coding-DNA position 3349, C replaced by T.
Protein change: p.Pro1117Ser; replaces proline 1117 with serine.
Molecular consequence: missense variant.
Genome position (GRCh38, 1-based): chr9:93,262,096, C>T. VCF-style: chr9-93262096-C-T. GRCh37 (hg19) VCF-style: chr9-96024378-C-T.
Other names: c.3349C>T, p.Pro1117Ser (NM_001282394.3); short protein forms P1117S.
Identifiers: ClinVar variation 5031783 (VCV005031783.1).